The following is an entry in ClinVar:

NM_000260.4(MYO7A):c.1623del (p.Lys542fs)

Gene: MYO7A (myosin VIIA; plus strand). Cytogenetic location: 11q13.5.
Variant type: Deletion.
Coding change: c.1623del on transcript NM_000260.4 (MANE Select); coding-DNA position 1623, one base deleted (C; older notation c.1623delC).
Protein change: p.Lys542fs; shifts the reading frame from lysine 542.
Molecular consequence: frameshift variant.
Genome position (GRCh38, 1-based): chr11:77,162,921, C deleted; the last of 7 consecutive C bases (chr11:77,162,915-77,162,921); deleting any one gives the same sequence. VCF-style (leftmost placement, unchanged base first): chr11-77162914-TC-T. GRCh37 (hg19) VCF-style: chr11-76873960-TC-T.
Other names: c.1623del, p.Lys542fs (NM_001127180.2); c.1590del, p.Lys531fs (NM_001369365.1); short protein forms K531fs, K542fs.
Identifiers: ClinVar variation 941056 (VCV000941056.8), dbSNP rs782077721, ClinGen allele CA475793992.
Genomic context (GRCh38, chr11:77,162,914, plus strand): 5'-GCACAGACACCACCATGTTACACAAGCTGAACTCCCAGCACAAGCTCAACGCCAACTACA[TC>T]CCCCCCAAGAACAACCATGAGACCCAGTTTGGCATCAACCATTTTGCAGGCATCGTCTAC-3'

ClinVar aggregate classification (germline): Pathogenic/Likely pathogenic. Review status: criteria provided, multiple submitters, no conflicts (2 of 4 stars). 2 submissions from 2 submitters: Pathogenic (1); Likely pathogenic (1). Last evaluated 2023-04-12.

Conditions:
MYO7A-related disorder. Also called: MYO7A-related disorders.

Submissions (2):

Labcorp Genetics (formerly Invitae), Labcorp
Classification: Pathogenic. Last evaluated: 2023-04-12. Review status: criteria provided, single submitter. Criteria: Invitae Variant Classification Sherloc (09022015). Collection method: clinical testing. Allele origin: germline.
Comment: This sequence change creates a premature translational stop signal (p.Lys542Argfs*80) in the MYO7A gene. It is expected to result in an absent or disrupted protein product. Loss-of-function variants in MYO7A are known to be pathogenic (PMID: 8900236, 25404053). This variant is not present in population databases (gnomAD no frequency). This variant has not been reported in the literature in individuals affected with MYO7A-related conditions. ClinVar contains an entry for this variant (Variation ID: 941056). For these reasons, this variant has been classified as Pathogenic.

Blueprint Genetics
Classification: Likely pathogenic for MYO7A-related disorders. Last evaluated: 2020-03-05. Review status: criteria provided, single submitter. Criteria: ACMG Guidelines, 2015. Collection method: clinical testing. Allele origin: germline. Affected: yes. Observed: 1 variant allele.

Literature cited by the submitters: PubMed 8900236 (cited by Labcorp Genetics (formerly Invitae), Labcorp); PubMed 25404053 (cited by Labcorp Genetics (formerly Invitae), Labcorp).